The following is an entry in ClinVar:

ClinVar aggregate classification (germline): Uncertain significance. Review status: criteria provided, multiple submitters, no conflicts (2 of 4 stars). 2 submissions from 2 submitters: Uncertain significance (2). Last evaluated 2025-06-10.

Allele frequency attached by ClinVar (database versions not stated): 1000 Genomes Project 0.00020; gnomAD 0.00008; ExAC 0.00010; gnomAD exomes 0.00006; TOPMed 0.00007; ESP Exome Variant Server 0.00015; 1000 Genomes Project 30x 0.00016.
gnomAD v4.1: 92 of 1,606,748 alleles (0.0057%); highest among the groups gnomAD compares: African/African-American, 0.024%; 1 homozygote.

Submissions (2):

Ambry Genetics
Classification: Uncertain significance. Last evaluated: 2025-06-10. Review status: criteria provided, single submitter. Criteria: Ambry Variant Classification Scheme 2023. Collection method: clinical testing. Allele origin: germline.

Labcorp Genetics (formerly Invitae), Labcorp
Classification: Uncertain significance. Last evaluated: 2024-06-03. Review status: criteria provided, single submitter. Criteria: Invitae Variant Classification Sherloc (09022015). Collection method: clinical testing. Allele origin: germline.
Comment: This sequence change replaces arginine, which is basic and polar, with tryptophan, which is neutral and slightly polar, at codon 183 of the FBN3 protein (p.Arg183Trp). This variant is present in population databases (rs140381246, gnomAD 0.03%). This variant has not been reported in the literature in individuals affected with FBN3-related conditions. ClinVar contains an entry for this variant (Variation ID: 2078576). An algorithm developed to predict the effect of missense changes on protein structure and function (PolyPhen-2) suggests that this variant is likely to be disruptive. In summary, the available evidence is currently insufficient to determine the role of this variant in disease. Therefore, it has been classified as a Variant of Uncertain Significance.

NM_032447.5(FBN3):c.547C>T (p.Arg183Trp)

Gene: FBN3 (fibrillin 3; minus strand). Cytogenetic location: 19p13.2.
Variant type: single nucleotide variant.
Coding change: c.547C>T on transcript NM_032447.5 (MANE Select); coding-DNA position 547, C replaced by T.
Protein change: p.Arg183Trp; replaces arginine 183 with tryptophan.
Molecular consequence: missense variant.
Genome position (GRCh38, 1-based): chr19:8,142,132, G>A on the plus strand (C>T on the coding strand, the complement: FBN3 is on the minus strand). VCF-style: chr19-8142132-G-A. GRCh37 (hg19) VCF-style: chr19-8207016-G-A.
Other names: c.547C>T, p.Arg183Trp (NM_001321431.2); short protein forms R183W.
Identifiers: ClinVar variation 2078576 (VCV002078576.6), dbSNP rs140381246, ClinGen allele CA9153672.
Genomic context (GRCh38, chr19:8,142,132, plus strand): 5'-GGCCCGTCAGCTGATGCTGGCACCCCTCGGGGCCTACTTGGCCAAAGCAGGGTCCCGTCC[G>A]GTAATCTGCAGGGCAGACAGATGTGGGTACCTGGCTGAGGGCTGCCCCTGTCTGGAGATC-3'
Protein context (NP_115823.3, residues 173-193): FMGPQCERDY[Arg183Trp]TGPCFGQVGP